The following is an entry in ClinVar:

ClinVar aggregate classification (germline): Uncertain significance (1 of 4 stars; one submission).

Conditions:
Neonatal-onset encephalopathy with rigidity and seizures. Also called: Lethal neonatal spasticity-epileptic encephalopathy syndrome. Identifiers: Orphanet 435845, MedGen C3281029, MONDO:0013784, OMIM 614498.

Allele frequency attached by ClinVar (database versions not stated): gnomAD exomes 0.00001; TOPMed 0.00001; ExAC 0.00003.
gnomAD v4.1: 3 of 1,573,700 alleles (0.00019%); highest among the groups gnomAD compares: Admixed American, 0.0052%; no homozygotes.

Submission:

Labcorp Genetics (formerly Invitae), Labcorp
Classification: Uncertain significance for Neonatal-onset encephalopathy with rigidity and seizures. Last evaluated: 2024-10-25. Review status: criteria provided, single submitter. Criteria: Invitae Variant Classification Sherloc (09022015). Collection method: clinical testing. Allele origin: germline.
Comment: This sequence change replaces isoleucine, which is neutral and non-polar, with valine, which is neutral and non-polar, at codon 149 of the BRAT1 protein (p.Ile149Val). This variant is present in population databases (rs779911979, gnomAD 0.01%). This variant has not been reported in the literature in individuals affected with BRAT1-related conditions. ClinVar contains an entry for this variant (Variation ID: 1399350). Invitae Evidence Modeling of protein sequence and biophysical properties (such as structural, functional, and spatial information, amino acid conservation, physicochemical variation, residue mobility, and thermodynamic stability) indicates that this missense variant is not expected to disrupt BRAT1 protein function with a negative predictive value of 95%. In summary, the available evidence is currently insufficient to determine the role of this variant in disease. Therefore, it has been classified as a Variant of Uncertain Significance.

NM_152743.4(BRAT1):c.445A>G (p.Ile149Val)

Gene: BRAT1 (BRCA1 associated ATM activator 1; minus strand). Cytogenetic location: 7p22.3.
Variant type: single nucleotide variant.
Coding change: c.445A>G on transcript NM_152743.4 (MANE Select); coding-DNA position 445, A replaced by G.
Protein change: p.Ile149Val; replaces isoleucine 149 with valine.
Molecular consequence: missense variant. On other transcripts: 5 prime UTR variant (1), non-coding transcript variant (1).
Genome position (GRCh38, 1-based): chr7:2,543,948, T>C on the plus strand (A>G on the coding strand, the complement: BRAT1 is on the minus strand). VCF-style: chr7-2543948-T-C. GRCh37 (hg19) VCF-style: chr7-2583582-T-C.
Other names: c.445A>G, p.Ile149Val (NM_001350626.2); c.-81A>G (NM_001350627.2); short protein forms I149V.
Identifiers: ClinVar variation 1399350 (VCV001399350.5), dbSNP rs779911979, ClinGen allele CA4128195.